The following is an entry in ClinVar:

NM_003738.5(PTCH2):c.2668T>C (p.Tyr890His)

Gene: PTCH2 (patched 2; minus strand). Cytogenetic location: 1p34.1.
Variant type: single nucleotide variant.
Coding change: c.2668T>C on transcript NM_003738.5 (MANE Select); coding-DNA position 2668, T replaced by C.
Protein change: p.Tyr890His; replaces tyrosine 890 with histidine.
Molecular consequence: missense variant.
Genome position (GRCh38, 1-based): chr1:44,826,929, A>G on the plus strand (T>C on the coding strand, the complement: PTCH2 is on the minus strand). VCF-style: chr1-44826929-A-G. GRCh37 (hg19) VCF-style: chr1-45292601-A-G.
Other names: c.2668T>C, p.Tyr890His (NM_001166292.2); short protein forms Y890H.
Identifiers: ClinVar variation 2897654 (VCV002897654.3), dbSNP rs778662018, ClinGen allele CA822941.
Genomic context (GRCh38, chr1:44,826,929, plus strand): 5'-TGAGGCTCTTGCCGAGCTCCCCCCAAGACTCACTGCGAAGGTTCTCCCCCGTGGTGTCGT[A>G]TTTGTCGTGCAGCCATTCAGGAGGTGGGGGGTAGAAGTTGGCCTGTGAGGCTGCCAGACC-3'
Protein context (NP_003729.3, residues 880-900): PPPPEWLHDK[Tyr890His]DTTGENLRIP

ClinVar aggregate classification (germline): Uncertain significance (1 of 4 stars; one submission).

Conditions:
Gorlin syndrome. Also called: Nevoid Basal Cell Carcinoma Syndrome; Basal cell nevus syndrome. Identifiers: Orphanet 377, MedGen C0004779, MONDO:0007187.

Allele frequency attached by ClinVar (database versions not stated): gnomAD exomes 0.00001; TOPMed 0.00003; ExAC 0.00004.
gnomAD v4.1: 20 of 1,613,862 alleles (0.0012%); highest among the groups gnomAD compares: East Asian, 0.042%; no homozygotes.

Submission:

Labcorp Genetics (formerly Invitae), Labcorp
Classification: Uncertain significance for Gorlin syndrome. Last evaluated: 2025-05-19. Review status: criteria provided, single submitter. Criteria: Invitae Variant Classification Sherloc (09022015). Collection method: clinical testing. Allele origin: germline.
Comment: This sequence change replaces tyrosine, which is neutral and polar, with histidine, which is basic and polar, at codon 890 of the PTCH2 protein (p.Tyr890His). This variant is present in population databases (rs778662018, gnomAD 0.05%), and has an allele count higher than expected for a pathogenic variant. This variant has not been reported in the literature in individuals affected with PTCH2-related conditions. ClinVar contains an entry for this variant (Variation ID: 2897654). Invitae Evidence Modeling of protein sequence and biophysical properties (such as structural, functional, and spatial information, amino acid conservation, physicochemical variation, residue mobility, and thermodynamic stability) indicates that this missense variant is not expected to disrupt PTCH2 protein function with a negative predictive value of 80%. In summary, the available evidence is currently insufficient to determine the role of this variant in disease. Therefore, it has been classified as a Variant of Uncertain Significance.